The following is an entry in ClinVar:

NM_000377.3(WAS):c.1058dup (p.Pro354fs)

Gene: WAS (WASP actin nucleation promoting factor; plus strand). Cytogenetic location: Xp11.23.
Variant type: Duplication.
Coding change: c.1058dup on transcript NM_000377.3 (MANE Select); coding-DNA position 1058, one base duplicated (C; older notation c.1058dupC).
Protein change: p.Pro354fs; shifts the reading frame from proline 354.
Molecular consequence: frameshift variant.
Genome position (GRCh38, 1-based): chrX:48,688,786, C duplicated; the last of 5 consecutive C bases (chrX:48,688,782-48,688,786); duplicating any one gives the same sequence. VCF-style (leftmost placement, unchanged base first): chrX-48688781-A-AC. GRCh37 (hg19) VCF-style: chrX-48547170-A-AC.
Other names: short protein forms P354fs.
Identifiers: ClinVar variation 861115 (VCV000861115.9), dbSNP rs1557007165, ClinGen allele CA916081268.

ClinVar aggregate classification (germline): Pathogenic (1 of 4 stars; one submission).

Conditions:
X-linked severe congenital neutropenia (SCNX). Identifiers: Orphanet 86788, MedGen C1845987, MONDO:0010294, OMIM 300299.
Thrombocytopenia 1. Also called: X-linked thrombocytopenia with normal platelets; THROMBOCYTOPENIA, X-LINKED, 1; X-Linked Thrombocytopenia (XLT). Identifiers: Orphanet 268322, Orphanet 852, MedGen C1839163, MONDO:0010743, OMIM 313900.
Wiskott-Aldrich syndrome (WAS). Also called: WISKOTT-ALDRICH SYNDROME 1; ALDRICH SYNDROME; IMMUNODEFICIENCY 2; Wiskott-aldrich syndrome, somatic. Identifiers: Orphanet 906, MedGen C0043194, MONDO:0010518, OMIM 301000.

Submission:

Labcorp Genetics (formerly Invitae), Labcorp
Classification: Pathogenic for Wiskott-Aldrich syndrome; X-linked severe congenital neutropenia; Thrombocytopenia 1. Last evaluated: 2020-01-13. Review status: criteria provided, single submitter. Criteria: Invitae Variant Classification Sherloc (09022015). Collection method: clinical testing. Allele origin: germline.
Comment: For these reasons, this variant has been classified as Pathogenic. This variant disrupts the C-terminus of the WAS protein. Other variant(s) that disrupt this region (p.Leu425Profs*70) have been determined to be pathogenic (PMID: 8528198, 11442475, 12727931, 24210885). This suggests that variants that disrupt this region of the protein are likely to be causative of disease. This variant has not been reported in the literature in individuals with WAS-related conditions. The frequency data for this variant in the population databases is considered unreliable, as metrics indicate insufficient coverage at this position in the ExAC database. This sequence change results in a premature translational stop signal in the WAS gene (p.Pro354Thrfs*141). While this is not anticipated to result in nonsense mediated decay, it is expected to disrupt the last 149 amino acids of the WAS protein.

Literature cited by the submitters: PubMed 8528198; PubMed 11442475; PubMed 12727931; PubMed 24210885.